The following is an entry in ClinVar:

ClinVar aggregate classification (germline): Likely pathogenic (1 of 4 stars; one submission).

Conditions:
Situs inversus. Also called: Situs inversus totalis. Identifiers: Orphanet 101063, MedGen C4551493, MONDO:0010029, HP:0001696.

Submission:

Research Center of Medical Experimental Technology, The Third Xiangya Hospital of Central South University
Classification: Likely pathogenic for Situs inversus. Last evaluated: 2026-05-29. Review status: criteria provided, single submitter. Criteria: ACMG Guidelines, 2015. Collection method: clinical testing. Allele origin: germline. Affected: yes.
Comment: The c.2264T>C (p.Val755Ala) variant is located in exon 20 of the CFAP61 gene. This alteration results from a T to C substitution at nucleotide position 2264, causing the valine (Val) at amino acid position 755 to be replaced by the alanine (Ala). This variant involves the critical NirB super family domain. This variant has not been reported in the literature or in population databases (no rsID available, no frequency in gnomAD). No submitters have cited clinical-significance assessments for this variant to ClinVar.

NM_015585.4(CFAP61):c.2264T>C (p.Val755Ala)

Gene: CFAP61 (cilia and flagella associated protein 61; plus strand). Cytogenetic location: 20p11.23.
Variant type: single nucleotide variant.
Coding change: c.2264T>C on transcript NM_015585.4 (MANE Select); coding-DNA position 2264, T replaced by C.
Protein change: p.Val755Ala; replaces valine 755 with alanine.
Molecular consequence: missense variant.
Genome position (GRCh38, 1-based): chr20:20,251,699, T>C. VCF-style: chr20-20251699-T-C. GRCh37 (hg19) VCF-style: chr20-20232343-T-C.
Other names: NP_056400.3:p.Val755Ala; short protein forms V755A.
Identifiers: ClinVar variation 4853824 (VCV004853824.1).
Genomic context (GRCh38, chr20:20,251,699, plus strand): 5'-CCTGGGTTAATGTCGTGGTGGGTAGAATGACCGGCATAGACCGAGCAGCCAAGCACGTTG[T>C]GCTTTCCACGGACGAGATCGTGCCCTACGACCACCTCATCCTCTGCACCGGGCAGCAGTA-3'
Protein context (NP_056400.3, residues 745-765): TGIDRAAKHV[Val755Ala]LSTDEIVPYD